The following is an entry in ClinVar:

ClinVar aggregate classification (germline): not provided (0 of 4 stars; one submission).

Allele frequency attached by ClinVar (database versions not stated): gnomAD 0.00003.
gnomAD v4.1: 4 of 152,076 alleles (0.0026%); highest among the groups gnomAD compares: Non-Finnish European, 0.0015%; no homozygotes.

Submission:

Human Evolutionary Genetics, Institut Pasteur
No classification provided. Review status: no classification provided. Collection method: not provided. Allele origin: germline.
ClinVar note: Converted during submission from untested to not provided.

NM_001276700.2(NLRP6):c.2105+180A>C

Gene: NLRP6 (NLR family pyrin domain containing 6; plus strand). Cytogenetic location: 11p15.5.
Variant type: single nucleotide variant.
Coding change: c.2105+180A>C on transcript NM_001276700.2 (MANE Select); 180 bases into the intron after coding-DNA position 2105, A replaced by C.
Molecular consequence: intron variant.
Genome position (GRCh38, 1-based): chr11:282,019, A>C. VCF-style: chr11-282019-A-C. GRCh37 (hg19) VCF-style: chr11-282019-A-C.
Other names: c.2105+180A>C (NM_138329.2).
Identifiers: ClinVar variation 103237 (VCV000103237.2), dbSNP rs199475812, ClinGen allele CA230301.